The following is an entry in ClinVar:

NM_003482.4(KMT2D):c.8367-3C>A

Gene: KMT2D (lysine methyltransferase 2D; minus strand). Cytogenetic location: 12q13.12.
Variant type: single nucleotide variant.
Coding change: c.8367-3C>A on transcript NM_003482.4 (MANE Select); 3 bases into the intron before coding-DNA position 8367, C replaced by A.
Molecular consequence: intron variant.
Genome position (GRCh38, 1-based): chr12:49,038,992, G>T on the plus strand (C>A on the coding strand, the complement: KMT2D is on the minus strand). VCF-style: chr12-49038992-G-T. GRCh37 (hg19) VCF-style: chr12-49432775-G-T.
Identifiers: ClinVar variation 1028119 (VCV001028119.1), dbSNP rs1943358511, ClinGen allele CA2034958711.
Genomic context (GRCh38, chr12:49,038,992, plus strand): 5'-CAGGGACCCAGGATAGGGTGCTCGCTGATAGAAAGCTTGGGAGCCTCCTACCAGTTGCCT[G>T]GAAGAATATACAGTAGTCAGTAGGATGAAATCAGATGAAAAGGAGCAAGAACATGGGCTT-3'

ClinVar aggregate classification (germline): Uncertain significance (1 of 4 stars; one submission).

Conditions:
Kabuki syndrome 1 (KABUK1). Also called: KMT2D-Related Kabuki Syndrome. Identifiers: Orphanet 2322, MedGen CN030661, MONDO:0007843, OMIM 147920.

Submission:

Baylor Genetics
Classification: Uncertain significance for Kabuki syndrome 1. Last evaluated: 2020-02-14. Review status: criteria provided, single submitter. Criteria: ACMG Guidelines, 2015. Collection method: clinical testing. Allele origin: unknown. Affected: yes.
Comment: This variant was determined to be of uncertain significance according to ACMG Guidelines, 2015 [PMID:25741868].